The following is an entry in ClinVar:

NM_000440.3(PDE6A):c.1407+1G>C

Gene: PDE6A (phosphodiesterase 6A; minus strand). Cytogenetic location: 5q32.
Variant type: single nucleotide variant.
Coding change: c.1407+1G>C on transcript NM_000440.3 (MANE Select); the canonical splice donor site of the intron after coding-DNA position 1407, G replaced by C.
Molecular consequence: splice donor variant.
Genome position (GRCh38, 1-based): chr5:149,898,362, C>G on the plus strand (G>C on the coding strand, the complement: PDE6A is on the minus strand). VCF-style: chr5-149898362-C-G. GRCh37 (hg19) VCF-style: chr5-149277925-C-G.
Other names: c.1164+1G>C (NM_001410788.1).
Identifiers: ClinVar variation 866022 (VCV000866022.21), dbSNP rs781616522, ClinGen allele CA3504714.

ClinVar aggregate classification (germline): Pathogenic/Likely pathogenic. Review status: criteria provided, multiple submitters, no conflicts (2 of 4 stars). 7 submissions from 7 submitters: Pathogenic (5); Likely pathogenic (2). Last evaluated 2025-10-15.

Conditions:
PDE6A-related disorder. Also called: PDE6A-related condition.
Retinal dystrophy. Also called: Inherited retinal dystrophy. Identifiers: Orphanet 71862, MedGen C0854723, MeSH D058499, MONDO:0019118, HP:0000556.
Retinitis pigmentosa 43 (RP43). Identifiers: Orphanet 791, MedGen C3151139, MONDO:0013437, OMIM 613810.

Allele frequency attached by ClinVar (database versions not stated): gnomAD 0.00001; TOPMed 0.00002.
gnomAD v4.1: 17 of 1,613,134 alleles (0.0011%); highest among the groups gnomAD compares: East Asian, 0.036%; no homozygotes.

Submissions (7):

Labcorp Genetics (formerly Invitae), Labcorp
Classification: Pathogenic. Last evaluated: 2025-10-15. Review status: criteria provided, single submitter. Criteria: Invitae Variant Classification Sherloc (09022015). Collection method: clinical testing. Allele origin: germline.
Comment: This sequence change affects a donor splice site in intron 10 of the PDE6A gene. It is expected to disrupt RNA splicing. Variants that disrupt the donor or acceptor splice site typically lead to a loss of protein function (PMID: 16199547), and loss-of-function variants in PDE6A are known to be pathogenic (PMID: 7493036, 22128245, 23847139). This variant is present in population databases (rs781616522, gnomAD 0.1%). Disruption of this splice site has been observed in individual(s) with retinitis pigmentosa (PMID: 29693493, 30718709, 31872526). In at least one individual the data is consistent with being in trans (on the opposite chromosome) from a pathogenic variant. ClinVar contains an entry for this variant (Variation ID: 866022). Algorithms developed to predict the effect of sequence changes on RNA splicing suggest that this variant may disrupt the consensus splice site. For these reasons, this variant has been classified as Pathogenic.

SingHealth Duke-NUS Institute of Precision Medicine
Classification: Likely pathogenic for Retinitis pigmentosa 43. Last evaluated: 2025-02-05. Review status: criteria provided, single submitter. Criteria: PRISM ACMG Classification Criteria. Collection method: clinical testing. Allele origin: germline. Affected: yes.
Comment: Variant is predicted to cause the loss of splice donor site, disrupting RNA splicing (PVS1). Homozygous allele count in gnomAD exomes and genomes are less than 0 (PM2).

3billion
Classification: Pathogenic for Retinitis pigmentosa 43. Last evaluated: 2024-09-06. Review status: criteria provided, single submitter. Criteria: ACMG Guidelines, 2015. Collection method: clinical testing. Allele origin: germline. Affected: yes.
Comment: The variant is observed at an extremely low frequency in the gnomAD v4.0.0 dataset (total allele frequency: 0.001%). Predicted Consequence/Location: Canonical splice site: predicted to alter splicing and result in a loss or disruption of normal protein function. Multiple pathogenic loss-of-function variants are reported downstream of the variant. The variant has been reported at least twice as pathogenic with clinical assertions and evidence for the classification (ClinVar ID: VCV000866022 /PMID: 29693493 /3billion dataset). Therefore, this variant is classified as Pathogenic according to the recommendation of ACMG/AMP guideline.

Fulgent Genetics
Classification: Pathogenic for Retinitis pigmentosa 43. Last evaluated: 2024-05-23. Review status: criteria provided, single submitter. Criteria: ACMG Guidelines, 2015. Collection method: clinical testing. Allele origin: germline.

Dept Of Ophthalmology, Nagoya University
Classification: Pathogenic for Retinal dystrophy. Last evaluated: 2023-10-01. Review status: criteria provided, single submitter. Criteria: Submitter's publication. Collection method: research. Allele origin: germline. Affected: yes.

Blueprint Genetics
Classification: Pathogenic for PDE6A-related disorders. Last evaluated: 2022-06-28. Review status: criteria provided, single submitter. Criteria: ACMG Guidelines, 2015. Collection method: clinical testing. Allele origin: germline. Affected: yes. Observed: 5 variant alleles.

Juno Genomics, Hangzhou Juno Genomics, Inc
Classification: Likely pathogenic for Retinitis pigmentosa 43. Review status: criteria provided, single submitter. Criteria: ACMG Guidelines, 2015. Collection method: clinical testing. Allele origin: germline.
Comment: Absent from controls (or at extremely low frequency if recessive) in Genome Aggregation Database.;Null variant in a gene where loss of function (LOF) is a known mechanism of disease.;For recessive disorders, detected in trans with a pathogenic variant.;Patient's phenotype or family history is highly specific for a disease with a single genetic etiology.

Literature cited by the submitters: PubMed 16199547 (cited by Labcorp Genetics (formerly Invitae), Labcorp); PubMed 7493036 (cited by Labcorp Genetics (formerly Invitae), Labcorp); PubMed 22128245 (cited by Labcorp Genetics (formerly Invitae), Labcorp); PubMed 23847139 (cited by Labcorp Genetics (formerly Invitae), Labcorp); PubMed 29693493 (cited by Labcorp Genetics (formerly Invitae), Labcorp and 3billion); PubMed 30718709 (cited by Labcorp Genetics (formerly Invitae), Labcorp); PubMed 31872526 (cited by Labcorp Genetics (formerly Invitae), Labcorp).